The following is an entry in ClinVar:

ClinVar aggregate classification (germline): Likely benign. Review status: criteria provided, single submitter (1 of 4 stars). 2 submissions from 2 submitters: Likely benign (1). 1 of the submissions does not count toward it. Last evaluated 2026-01-15.

Conditions:
ITGA6-related disorder. Also called: ITGA6-related condition.

Allele frequency attached by ClinVar (database versions not stated): TOPMed below 0.00001; gnomAD 0.00001; ExAC 0.00002; gnomAD exomes 0.00005.
gnomAD v4.1: 80 of 1,614,014 alleles (0.005%); highest among the groups gnomAD compares: Non-Finnish European, 0.0061%; no homozygotes.

Submissions (2):

Labcorp Genetics (formerly Invitae), Labcorp
Classification: Likely benign. Last evaluated: 2026-01-15. Review status: criteria provided, single submitter. Criteria: Invitae Variant Classification Sherloc (09022015). Collection method: clinical testing. Allele origin: germline.

PreventionGenetics, part of Exact Sciences
Classification: Likely benign for ITGA6-related condition. Last evaluated: 2024-06-10. Review status: no assertion criteria provided. Collection method: clinical testing. Allele origin: germline. Not counted in ClinVar's aggregate classification.
Comment: This variant is classified as likely benign based on ACMG/AMP sequence variant interpretation guidelines (Richards et al. 2015 PMID: 25741868, with internal and published modifications).

NM_000210.4(ITGA6):c.2640T>C (p.Thr880=)

Genes: ITGA6 (integrin subunit alpha 6; plus strand), PDK1-AS1 (PDK1 and ITGA6 antisense RNA 1; minus strand). Cytogenetic location: 2q31.1.
Variant type: single nucleotide variant.
Coding change: c.2640T>C on transcript NM_000210.4 (MANE Select); coding-DNA position 2640, T replaced by C.
Protein change: p.Thr880=; no amino-acid change (threonine 880 retained).
Molecular consequence: synonymous variant. On other transcripts: intron variant (2).
Genome position (GRCh38, 1-based): chr2:172,489,619, T>C. VCF-style: chr2-172489619-T-C. GRCh37 (hg19) VCF-style: chr2-173354347-T-C.
Other names: c.2640T>C, p.Thr880= (NM_001079818.3); c.2283T>C, p.Thr761= (NM_001316306.2); c.2757T>C, p.Thr919= (NM_001394928.1); c.2634+6T>C (NM_001365530.2, NM_001365529.2); c.2640T>C (NM_000210.3).
Identifiers: ClinVar variation 2711530 (VCV002711530.4), dbSNP rs750078367, ClinGen allele CA1968440.